The following is an entry in ClinVar:

NM_000051.4(ATM):c.8304A>G (p.Glu2768=)

Genes: ATM (ATM serine/threonine kinase; plus strand), C11orf65 (chromosome 11 open reading frame 65; minus strand). Cytogenetic location: 11q22.3.
Variant type: single nucleotide variant.
Coding change: c.8304A>G on transcript NM_000051.4 (MANE Select); coding-DNA position 8304, A replaced by G.
Protein change: p.Glu2768=; no amino-acid change (glutamic acid 2768 retained).
Molecular consequence: synonymous variant. On other transcripts: intron variant (2).
Genome position (GRCh38, 1-based): chr11:108,343,257, A>G. VCF-style: chr11-108343257-A-G. GRCh37 (hg19) VCF-style: chr11-108213984-A-G.
Other names: c.8304A>G, p.Glu2768= (NM_001351834.2); c.641-34186T>C (NM_001330368.2); c.695-7965T>C (NM_001351110.2).
Identifiers: ClinVar variation 2130485 (VCV002130485.5), dbSNP rs756686570, ClinGen allele CA6266348.

ClinVar aggregate classification (germline): Benign/Likely benign. Review status: criteria provided, multiple submitters, no conflicts (2 of 4 stars). 2 submissions from 2 submitters: Benign (1); Likely benign (1). Last evaluated 2024-06-19.

Conditions:
Ataxia-telangiectasia syndrome (AT). Also called: ATAXIA-TELANGIECTASIA, COMPLEMENTATION GROUP A; ATAXIA-TELANGIECTASIA, FRESNO VARIANT; Ataxia-telangiectasia; Ataxia-telangiectasia, complementation group E; LOUIS-BAR SYNDROME; Cerebello-oculocutaneous telangiectasia. Identifiers: Orphanet 100, MedGen C0004135, MONDO:0008840, OMIM 208900.
Familial cancer of breast. Also called: BREAST CANCER, FAMILIAL; hereditary breast carcinoma; Hereditary breast cancer. Identifiers: Orphanet 227535, MedGen C0346153, MONDO:0016419, OMIM 114480. Disease mechanism: loss of function.

Allele frequency attached by ClinVar (database versions not stated): gnomAD exomes below 0.00001; ExAC 0.00001.
gnomAD v4.1: 4 of 1,614,016 alleles (0.00025%); highest among the groups gnomAD compares: South Asian, 0.0033%; no homozygotes.

Submissions (2):

Myriad Genetics, Inc.
Classification: Benign for Familial cancer of breast. Last evaluated: 2024-06-19. Review status: criteria provided, single submitter. Criteria: Myriad Autosomal Dominant, Autosomal Recessive and X-Linked Classification Criteria (2023). Collection method: clinical testing. Allele origin: unknown.
Comment: This variant is considered benign. This variant is a silent/synonymous amino acid change and it is not expected to impact splicing.

Labcorp Genetics (formerly Invitae), Labcorp
Classification: Likely benign for Ataxia-telangiectasia syndrome. Last evaluated: 2024-03-24. Review status: criteria provided, single submitter. Criteria: Invitae Variant Classification Sherloc (09022015). Collection method: clinical testing. Allele origin: germline.